The following is an entry in ClinVar:

NM_006440.5(TXNRD2):c.1058A>C (p.His353Pro)

Gene: TXNRD2 (thioredoxin reductase 2; minus strand). Cytogenetic location: 22q11.21.
Variant type: single nucleotide variant.
Coding change: c.1058A>C on transcript NM_006440.5 (MANE Select); coding-DNA position 1058, A replaced by C.
Protein change: p.His353Pro; replaces histidine 353 with proline.
Molecular consequence: missense variant. On other transcripts: non-coding transcript variant (1).
Genome position (GRCh38, 1-based): chr22:19,883,353, T>G on the plus strand (A>C on the coding strand, the complement: TXNRD2 is on the minus strand). VCF-style: chr22-19883353-T-G. GRCh37 (hg19) VCF-style: chr22-19870876-T-G.
Other names: c.1055A>C, p.His352Pro (NM_001352300.2); c.968A>C, p.His323Pro (NM_001352301.2); c.770A>C, p.His257Pro (NM_001352302.2); short protein forms H257P, H323P, H352P, H353P.
Identifiers: ClinVar variation 1003801 (VCV001003801.9), dbSNP rs1307604976, ClinGen allele CA410682657.

ClinVar aggregate classification (germline): Uncertain significance. Review status: criteria provided, multiple submitters, no conflicts (2 of 4 stars). 2 submissions from 2 submitters: Uncertain significance (2). Last evaluated 2023-03-20.

Conditions:
Primary dilated cardiomyopathy (DCM). Also called: Dilated Cardiomyopathy. Identifiers: Orphanet 217604, MedGen C0007193, MeSH D002311, MONDO:0005021, HP:0001644. Inheritance: Various modes of inheritance.

Allele frequency attached by ClinVar (database versions not stated): gnomAD exomes below 0.00001; TOPMed 0.00001.
gnomAD v4.1: 1 of 1,613,958 alleles (0.000062%); highest among the groups gnomAD compares: Admixed American, 0.0017%; no homozygotes.

Submissions (2):

Labcorp Genetics (formerly Invitae), Labcorp
Classification: Uncertain significance for Primary dilated cardiomyopathy. Last evaluated: 2023-03-20. Review status: criteria provided, single submitter. Criteria: Invitae Variant Classification Sherloc (09022015). Collection method: clinical testing. Allele origin: germline.
Comment: This variant is present in population databases (no rsID available, gnomAD 0.003%). In summary, the available evidence is currently insufficient to determine the role of this variant in disease. Therefore, it has been classified as a Variant of Uncertain Significance. Advanced modeling of protein sequence and biophysical properties (such as structural, functional, and spatial information, amino acid conservation, physicochemical variation, residue mobility, and thermodynamic stability) has been performed at Invitae for this missense variant, however the output from this modeling did not meet the statistical confidence thresholds required to predict the impact of this variant on TXNRD2 protein function. ClinVar contains an entry for this variant (Variation ID: 1003801). This variant has not been reported in the literature in individuals affected with TXNRD2-related conditions. This sequence change replaces histidine, which is basic and polar, with proline, which is neutral and non-polar, at codon 353 of the TXNRD2 protein (p.His353Pro).

GeneDx
Classification: Uncertain significance. Last evaluated: 2019-05-20. Review status: criteria provided, single submitter. Criteria: GeneDx Variant Classification Process June 2021. Collection method: clinical testing. Allele origin: germline. Affected: yes.
Comment: Has not been previously published as pathogenic or benign to our knowledge; Not observed at a significant frequency in large population cohorts (Lek et al., 2016); In silico analysis, which includes protein predictors and evolutionary conservation, supports a deleterious effect